The following is an entry in ClinVar:

NM_000135.4(FANCA):c.4027C>T (p.His1343Tyr)

Genes: FANCA (FA complementation group A; minus strand), ZNF276 (zinc finger protein 276; plus strand). Cytogenetic location: 16q24.3.
Variant type: single nucleotide variant.
Coding change: c.4027C>T on transcript NM_000135.4 (MANE Select); coding-DNA position 4027, C replaced by T.
Protein change: p.His1343Tyr; replaces histidine 1343 with tyrosine.
Molecular consequence: missense variant. On other transcripts: 3 prime UTR variant (2), non-coding transcript variant (4).
Genome position (GRCh38, 1-based): chr16:89,739,273, G>A on the plus strand (C>T on the coding strand, the complement: FANCA is on the minus strand). VCF-style: chr16-89739273-G-A. GRCh37 (hg19) VCF-style: chr16-89805681-G-A.
Other names: c.4027C>T, p.His1343Tyr (NM_001286167.3); c.*1027G>A (NM_001113525.2, NM_152287.4); short protein forms H1343Y.
Identifiers: ClinVar variation 3848070 (VCV003848070.1).

ClinVar aggregate classification (germline): Uncertain significance (1 of 4 stars; one submission).

Conditions:
Inborn genetic diseases. Identifiers: MedGen C0950123, MeSH D030342.

Submission:

Ambry Genetics
Classification: Uncertain significance for Inborn genetic diseases. Last evaluated: 2025-01-02. Review status: criteria provided, single submitter. Criteria: Ambry Variant Classification Scheme 2023. Collection method: clinical testing. Allele origin: germline.
Comment: The p.H1343Y variant (also known as c.4027C>T), located in coding exon 41 of the FANCA gene, results from a C to T substitution at nucleotide position 4027. The histidine at codon 1343 is replaced by tyrosine, an amino acid with similar properties. This amino acid position is conserved. In addition, this alteration is predicted to be tolerated by in silico analysis. Based on the available evidence, the clinical significance of this variant remains unclear.